The following is an entry in ClinVar:

ClinVar aggregate classification (germline): Benign. Review status: criteria provided, multiple submitters, no conflicts (2 of 4 stars). 3 submissions from 3 submitters: Benign (2). 1 of the submissions does not count toward it. Last evaluated 2019-03-14.

Conditions:
DNHD1-related disorder. Also called: DNHD1-related condition.

Allele frequency attached by ClinVar (database versions not stated): gnomAD 0.67496 and 0.68027; ESP Exome Variant Server 0.67718; TOPMed 0.67867; gnomAD exomes 0.67996; 1000 Genomes Project 30x 0.72252; 1000 Genomes Project 0.73003.
gnomAD v4.1: 1,055,526 of 1,550,146 alleles (68%); highest among the groups gnomAD compares: East Asian, 87%; 361,302 homozygotes.

Submissions (3):

GeneDx
Classification: Benign. Last evaluated: 2019-03-14. Review status: criteria provided, single submitter. Criteria: GeneDx Variant Classification Process June 2021. Collection method: clinical testing. Allele origin: germline. Affected: yes.

Breakthrough Genomics
Classification: Benign. Review status: criteria provided, single submitter. Criteria: ACMG Guidelines, 2015. Collection method: not provided. Allele origin: germline. Inheritance: Autosomal recessive inheritance. Affected: yes.

PreventionGenetics, part of Exact Sciences
Classification: Benign for DNHD1-related condition. Last evaluated: 2023-11-29. Review status: no assertion criteria provided. Collection method: clinical testing. Allele origin: germline. Not counted in ClinVar's aggregate classification.
Comment: This variant is classified as benign based on ACMG/AMP sequence variant interpretation guidelines (Richards et al. 2015 PMID: 25741868, with internal and published modifications).

NM_144666.3(DNHD1):c.1865A>C (p.Asp622Ala)

Gene: DNHD1 (dynein heavy chain domain 1; plus strand). Cytogenetic location: 11p15.4.
Variant type: single nucleotide variant.
Coding change: c.1865A>C on transcript NM_144666.3 (MANE Select); coding-DNA position 1865, A replaced by C.
Protein change: p.Asp622Ala; replaces aspartic acid 622 with alanine.
Molecular consequence: missense variant.
Genome position (GRCh38, 1-based): chr11:6,528,549, A>C. VCF-style: chr11-6528549-A-C. GRCh37 (hg19) VCF-style: chr11-6549779-A-C.
Other names: short protein forms D622A.
Identifiers: ClinVar variation 1183642 (VCV001183642.5), dbSNP rs4633449, ClinGen allele CA5855723.